The following is an entry in ClinVar:

NM_138927.4(SON):c.3597_3598dup (p.Pro1200fs)

Gene: SON (SON DNA and RNA binding protein; plus strand). Cytogenetic location: 21q22.11.
Variant type: Duplication.
Coding change: c.3597_3598dup on transcript NM_138927.4 (MANE Select); coding-DNA positions 3597 to 3598, 2 bases duplicated (GC; older notation c.3597_3598dupGC).
Protein change: p.Pro1200fs; shifts the reading frame from proline 1200.
Molecular consequence: frameshift variant. On other transcripts: non-coding transcript variant (1), intron variant (1).
Genome position (GRCh38, 1-based): chr21:33,552,828-33,552,829, GC duplicated. VCF-style (leftmost placement, unchanged base first): chr21-33552827-T-TGC. GRCh37 (hg19) VCF-style: chr21-34925133-T-TGC.
Other names: c.3597_3598dupGC (NM_032195.3); c.3597_3598dup, p.Pro1200fs (NM_001291411.2, NM_032195.3); c.245-4328_245-4327dup (NM_001291412.3); short protein forms P1200fs.
Identifiers: ClinVar variation 617865 (VCV000617865.2), dbSNP rs1569055781, ClinGen allele CA913191155.

ClinVar aggregate classification (germline): Pathogenic. Review status: criteria provided, single submitter (1 of 4 stars). 2 submissions from 2 submitters: Pathogenic (1). 1 of the submissions does not count toward it. Last evaluated 2025-08-25.

Conditions:
ZTTK syndrome (ZTTKS). Also called: ZTTK MULTIPLE CONGENITAL ANOMALIES-MENTAL RETARDATION SYNDROME; Zhu-Tokita-Takenouchi-Kim Syndrome. Identifiers: Orphanet 500150, MedGen C4310696, MONDO:0014936, OMIM 617140.

Submissions (2):

Daryl Scott Lab, Baylor College of Medicine
Classification: Pathogenic for ZTTK syndrome. Last evaluated: 2025-08-25. Review status: criteria provided, single submitter. Criteria: ACMG Guidelines, 2015. Collection method: clinical testing. Allele origin: de novo. Affected: yes. Observed: 1 heterozygote.
Comment: PVS1, PS2, PM2

University of Washington Center for Mendelian Genomics, University of Washington
Classification: Likely pathogenic for ZTTK syndrome. Last evaluated: 2016-09-01. Review status: no assertion criteria provided. Collection method: research. Allele origin: unknown. Affected: yes. Observed: 1 heterozygote. Not counted in ClinVar's aggregate classification.

Literature cited by the submitters: PubMed 27545680 (cited by University of Washington Center for Mendelian Genomics, University of Washington).